The following is an entry in ClinVar:

NM_000245.4(MET):c.3505A>G (p.Ile1169Val)

Gene: MET (MET proto-oncogene, receptor tyrosine kinase; plus strand). Cytogenetic location: 7q31.2.
Variant type: single nucleotide variant.
Coding change: c.3505A>G on transcript NM_000245.4 (MANE Select); coding-DNA position 3505, A replaced by G.
Protein change: p.Ile1169Val; replaces isoleucine 1169 with valine.
Molecular consequence: missense variant.
Genome position (GRCh38, 1-based): chr7:116,778,940, A>G. VCF-style: chr7-116778940-A-G. GRCh37 (hg19) VCF-style: chr7-116418994-A-G.
Other names: c.3559A>G, p.Ile1187Val (NM_001127500.3); c.2215A>G, p.Ile739Val (NM_001324402.2); short protein forms I1187V, I739V, I1169V.
Identifiers: ClinVar variation 823925 (VCV000823925.14), dbSNP rs752109953, ClinGen allele CA4448732.

ClinVar aggregate classification (germline): Uncertain significance. Review status: criteria provided, multiple submitters, no conflicts (2 of 4 stars). 2 submissions from 2 submitters: Uncertain significance (2). Last evaluated 2022-06-13.

Conditions:
Renal cell carcinoma. Identifiers: Orphanet 217071, MedGen C0007134, MeSH D002292, MONDO:0005086, HP:0005584.
Hereditary cancer-predisposing syndrome. Also called: Neoplastic Syndromes, Hereditary; Tumor predisposition; Hereditary neoplastic syndrome; Hereditary Cancer Syndrome. Identifiers: Orphanet 140162, MedGen C0027672, MeSH D009386, MONDO:0015356.

Allele frequency attached by ClinVar (database versions not stated): gnomAD exomes below 0.00001; ExAC 0.00001.
gnomAD v4.1: 1 of 1,613,858 alleles (0.000062%); highest among the groups gnomAD compares: South Asian, 0.0011%; no homozygotes.

Submissions (2):

Ambry Genetics
Classification: Uncertain significance for Hereditary cancer-predisposing syndrome. Last evaluated: 2022-06-13. Review status: criteria provided, single submitter. Criteria: Ambry Variant Classification Scheme 2023. Collection method: clinical testing. Allele origin: germline.
Comment: The p.I1187V variant (also known as c.3559A>G), located in coding exon 16 of the MET gene, results from an A to G substitution at nucleotide position 3559. The isoleucine at codon 1187 is replaced by valine, an amino acid with highly similar properties. This amino acid position is highly conserved in available vertebrate species. In addition, the in silico prediction for this alteration is inconclusive. Since supporting evidence is limited at this time, the clinical significance of this alteration remains unclear.

Labcorp Genetics (formerly Invitae), Labcorp
Classification: Uncertain significance for Renal cell carcinoma. Last evaluated: 2020-01-09. Review status: criteria provided, single submitter. Criteria: Invitae Variant Classification Sherloc (09022015). Collection method: clinical testing. Allele origin: germline.
Comment: This sequence change replaces isoleucine with valine at codon 1187 of the MET protein (p.Ile1187Val). The isoleucine residue is highly conserved and there is a small physicochemical difference between isoleucine and valine. In summary, the available evidence is currently insufficient to determine the role of this variant in disease. Therefore, it has been classified as a Variant of Uncertain Significance. Algorithms developed to predict the effect of missense changes on protein structure and function are either unavailable or do not agree on the potential impact of this missense change (SIFT: "Deleterious"; PolyPhen-2: "Benign"; Align-GVGD: "Class C25"). This variant has not been reported in the literature in individuals with MET-related conditions. This variant is present in population databases (rs752109953, ExAC 0.006%).